The following is an entry in ClinVar:

ClinVar aggregate classification (germline): Likely benign. Review status: criteria provided, multiple submitters, no conflicts (2 of 4 stars). 2 submissions from 2 submitters: Likely benign (2). Last evaluated 2024-11-22.

Allele frequency attached by ClinVar (database versions not stated): ExAC 0.00001; TOPMed 0.00003; gnomAD exomes 0.00001; gnomAD 0.00002.
gnomAD v4.1: 16 of 1,210,138 alleles (0.0013%); highest among the groups gnomAD compares: Admixed American, 0.0087%; no homozygotes.

Submissions (2):

Blueprint Genetics
Classification: Likely benign. Last evaluated: 2024-11-22. Review status: criteria provided, single submitter. Criteria: ACMG Guidelines, 2015. Collection method: clinical testing. Allele origin: germline.

CeGaT Center for Human Genetics Tuebingen
Classification: Likely benign. Last evaluated: 2023-07-01. Review status: criteria provided, single submitter. Criteria: CeGaT Center For Human Genetics Tuebingen Variant Classification Criteria Version 2. Collection method: clinical testing. Allele origin: germline. Affected: yes. Observed: 1 variant allele.
Comment: NLGN4X: BP4, BP7

NM_181332.3(NLGN4X):c.846C>T (p.Thr282=)

Gene: NLGN4X (neuroligin 4 X-linked; minus strand). Cytogenetic location: Xp22.32.
Variant type: single nucleotide variant.
Coding change: c.846C>T on transcript NM_181332.3 (MANE Select); coding-DNA position 846, C replaced by T.
Protein change: p.Thr282=; no amino-acid change (threonine 282 retained).
Molecular consequence: synonymous variant.
Genome position (GRCh38, 1-based): chrX:5,903,832, G>A on the plus strand (C>T on the coding strand, the complement: NLGN4X is on the minus strand). VCF-style: chrX-5903832-G-A. GRCh37 (hg19) VCF-style: chrX-5821873-G-A.
Other names: c.846C>T, p.Thr282= (NM_001282145.2, NM_001282146.2, NM_020742.4).
Identifiers: ClinVar variation 2659904 (VCV002659904.25), dbSNP rs9699286, ClinGen allele CA10341106.